The following is an entry in ClinVar:

ClinVar aggregate classification (germline): Conflicting classifications of pathogenicity. Review status: criteria provided, conflicting classifications (1 of 4 stars). 2 submissions from 2 submitters: Likely pathogenic (1); Uncertain significance (1). Last evaluated 2023-11-30.

Conditions:
Cranioectodermal dysplasia 2 (CED2). Identifiers: Orphanet 1515, MedGen C3150874, MONDO:0013323, OMIM 613610.

Allele frequency attached by ClinVar (database versions not stated): gnomAD exomes 0.00001 and 0.00003; gnomAD 0.00002 and 0.00003; TOPMed 0.00003; ExAC 0.00004; 1000 Genomes Project 30x 0.00016; 1000 Genomes Project 0.00020.
gnomAD v4.1: 14 of 1,614,074 alleles (0.00087%); highest among the groups gnomAD compares: South Asian, 0.0066%; no homozygotes.

Submissions (2):

Blueprint Genetics
Classification: Uncertain significance. Last evaluated: 2023-11-30. Review status: criteria provided, single submitter. Criteria: ACMG Guidelines, 2015. Collection method: clinical testing. Allele origin: germline.

Laboratorio de Citogenómica y Microarreglos, Universidad Autonoma de Nuevo Leon
Classification: Likely pathogenic for Cranioectodermal dysplasia 2. Last evaluated: 2017-08-27. Review status: criteria provided, single submitter. Criteria: ACMG Guidelines, 2015. Collection method: research. Allele origin: inherited. Inheritance: Autosomal recessive inheritance. Affected: yes. Observed: 1 variant allele, 1 homozygote.
Comment: WDR35 participates in the retrograde IFT associated to cell cilium assembly and maintenance mainly through formation (along with IFT43) of the IFT-A complex. Although homozygous and compound heterozygous mutations in this gene usually lead to heterogenous clinical features, they have also been related to the distinct CED2 (OMIM 613610) and SRTD7 (OMIM 614091) syndromes. CED2 main features are craniosynostosis, dolichocephaly, narrow rib cage, short limbs, brachydactyly, and ectodermal defects (e.g., sparse hair, and nail and dental anomalies) whereas SRTD7 includes constricted thoracic cage, short ribs, and shortened tubular bones. Most patients with any of these syndromes appear to show normal intelligence and have no brain anomalies; however, two patients with developmental delay -- one featuring cortical atrophy, lobe defects, and ventriculomegaly and the other mega cisterna magna and slight cortical atrophy -- have been reported. Next generation sequencing: We focused on homozygous variants with a population frequency <0.01% and predicted to be pathogenic, likely pathogenic or variant of uncertain significance (VUS) by the SIFT, PANTHER, Mutation Taster 2, PhD-SNP, PROVEAN, and PolyPhen-2 platforms. Sequence conservation was evaluated by PhyloP, PhastCons and GERP scores; while MuPro and CFSSP from ExPASy were used to predict changes in the protein secondary structure. Results: The WDR35 mutation c.1415G>A also was a homozygous missense variant resulting in p.Arg472Gln. The total read depth for this variant was 62x (GQX= 99). This variant has not yet been reported in NHLBI Exome Sequencing Project (ESP) or ClinVar databases; but ExAC browser reported five alleles (5/121400, 0.00004119) with the same but heterozygous variant. This change is predicted to be likely pathogenic by Polyphen-2, PANTHER and Mutation tasting 2, whereas analysis by PROVEAN, SIFT and PhD-SNP considered this substitution to be neutral. Conservation scores (PhastCons = 1, PhyloP = 4.78, and GERP = 5.65) indicate that this position is evolutionary conserved. Accordingly, CFSSP tool denoted introduction of a new Î±-helix into the putative protein Î²-propeller domain 2 predicting stability decreasing from such missense variant.

NM_020779.4(WDR35):c.1382G>A (p.Arg461Gln)

Gene: WDR35 (WD repeat domain 35; minus strand). Cytogenetic location: 2p24.1.
Variant type: single nucleotide variant.
Coding change: c.1382G>A on transcript NM_020779.4 (MANE Select); coding-DNA position 1382, G replaced by A.
Protein change: p.Arg461Gln; replaces arginine 461 with glutamine.
Molecular consequence: missense variant.
Genome position (GRCh38, 1-based): chr2:19,953,852, C>T on the plus strand (G>A on the coding strand, the complement: WDR35 is on the minus strand). VCF-style: chr2-19953852-C-T. GRCh37 (hg19) VCF-style: chr2-20153613-C-T.
Other names: IFT121; c.1415G>A, p.Arg472Gln (NM_001006657.2); short protein forms R472Q, R461Q.
Identifiers: ClinVar variation 437865 (VCV000437865.4), dbSNP rs200140363, ClinGen allele CA1543248.